The following is an entry in ClinVar:

ClinVar aggregate classification (germline): Uncertain significance (1 of 4 stars; one submission).

Conditions:
NIK deficiency. Also called: Primary immunodeficiency with multifaceted aberrant lymphoid immunity. Identifiers: Orphanet 447731, MedGen C5680065, MONDO:0018642.

Allele frequency attached by ClinVar (database versions not stated): gnomAD exomes below 0.00001.
gnomAD v4.1: 1 of 1,613,998 alleles (0.000062%); highest among the groups gnomAD compares: Non-Finnish European, 0.000085%; no homozygotes.

Submission:

Labcorp Genetics (formerly Invitae), Labcorp
Classification: Uncertain significance for NIK deficiency. Last evaluated: 2022-05-17. Review status: criteria provided, single submitter. Criteria: Invitae Variant Classification Sherloc (09022015). Collection method: clinical testing. Allele origin: germline.
Comment: This sequence change replaces serine, which is neutral and polar, with tyrosine, which is neutral and polar, at codon 153 of the MAP3K14 protein (p.Ser153Tyr). This variant is not present in population databases (gnomAD no frequency). In summary, the available evidence is currently insufficient to determine the role of this variant in disease. Therefore, it has been classified as a Variant of Uncertain Significance. Experimental studies and prediction algorithms are not available or were not evaluated, and the functional significance of this variant is currently unknown. This variant has not been reported in the literature in individuals affected with MAP3K14-related conditions.

NM_003954.5(MAP3K14):c.458C>A (p.Ser153Tyr)

Gene: MAP3K14 (mitogen-activated protein kinase kinase kinase 14; minus strand). Cytogenetic location: 17q21.31.
Variant type: single nucleotide variant.
Coding change: c.458C>A on transcript NM_003954.5 (MANE Select); coding-DNA position 458, C replaced by A.
Protein change: p.Ser153Tyr; replaces serine 153 with tyrosine.
Molecular consequence: missense variant.
Genome position (GRCh38, 1-based): chr17:45,287,233, G>T on the plus strand (C>A on the coding strand, the complement: MAP3K14 is on the minus strand). VCF-style: chr17-45287233-G-T. GRCh37 (hg19) VCF-style: chr17-43364599-G-T.
Other names: short protein forms S153Y.
Identifiers: ClinVar variation 2114431 (VCV002114431.4), dbSNP rs2044274547, ClinGen allele CA399890322.
Genomic context (GRCh38, chr17:45,287,233, plus strand): 5'-CTCTCCTGCTCAGGGGTCCTGGGGAGGGGTTTGGCCAAGGCCACTCCTGCATGAGCCAGG[G>T]ACTTTGAGCTCTTCTTCTTCCGTTTCTTCCGGGCTTTGCTGCGACGCTTTCCCTTCCAAC-3'
Protein context (NP_003945.2, residues 143-163): RKKRKKKSSK[Ser153Tyr]LAHAGVALAK